The following is an entry in ClinVar:

NM_005560.6(LAMA5):c.10546G>A (p.Gly3516Ser)

Gene: LAMA5 (laminin subunit alpha 5; minus strand). Cytogenetic location: 20q13.33.
Variant type: single nucleotide variant.
Coding change: c.10546G>A on transcript NM_005560.6 (MANE Select); coding-DNA position 10546, G replaced by A.
Protein change: p.Gly3516Ser; replaces glycine 3516 with serine.
Molecular consequence: missense variant.
Genome position (GRCh38, 1-based): chr20:62,310,473, C>T on the plus strand (G>A on the coding strand, the complement: LAMA5 is on the minus strand). VCF-style: chr20-62310473-C-T. GRCh37 (hg19) VCF-style: chr20-60885529-C-T.
Other names: short protein forms G3516S.
Identifiers: ClinVar variation 2714820 (VCV002714820.3), dbSNP rs376949823, ClinGen allele CA9939751.

ClinVar aggregate classification (germline): Uncertain significance (1 of 4 stars; one submission).

Allele frequency attached by ClinVar (database versions not stated): ESP Exome Variant Server 0.00008; ExAC 0.00010; gnomAD 0.00015; TOPMed 0.00015; gnomAD exomes 0.00031.
gnomAD v4.1: 503 of 1,596,386 alleles (0.032%); highest among the groups gnomAD compares: Non-Finnish European, 0.039%; no homozygotes.

Submission:

Labcorp Genetics (formerly Invitae), Labcorp
Classification: Uncertain significance. Last evaluated: 2023-04-28. Review status: criteria provided, single submitter. Criteria: Invitae Variant Classification Sherloc (09022015). Collection method: clinical testing. Allele origin: germline.
Comment: This sequence change replaces glycine, which is neutral and non-polar, with serine, which is neutral and polar, at codon 3516 of the LAMA5 protein (p.Gly3516Ser). This variant is present in population databases (rs376949823, gnomAD 0.02%). This variant has not been reported in the literature in individuals affected with LAMA5-related conditions. An algorithm developed to predict the effect of missense changes on protein structure and function (PolyPhen-2) suggests that this variant is likely to be tolerated. In summary, the available evidence is currently insufficient to determine the role of this variant in disease. Therefore, it has been classified as a Variant of Uncertain Significance.